The following is an entry in ClinVar:

ClinVar aggregate classification (germline): Uncertain significance. Review status: criteria provided, multiple submitters, no conflicts (2 of 4 stars). 2 submissions from 2 submitters: Uncertain significance (2). Last evaluated 2026-01-15.

Conditions:
Landau-Kleffner syndrome (FESD). Also called: EPILEPSY, FOCAL, WITH SPEECH DISORDER AND WITH OR WITHOUT MENTAL RETARDATION; APHASIA, ACQUIRED, WITH EPILEPSY. Identifiers: Orphanet 1945, Orphanet 725, Orphanet 98818, MedGen C0282512, MONDO:0009509, OMIM 245570.

Submissions (2):

GeneDx
Classification: Uncertain significance. Last evaluated: 2026-01-15. Review status: criteria provided, single submitter. Criteria: GeneDx Variant Classification Process June 2021. Collection method: clinical testing. Allele origin: germline.
Comment: Not observed at significant frequency in large population cohorts (gnomAD); In silico analysis suggests that this missense variant does not alter protein structure/function; Has not been previously published as pathogenic or benign to our knowledge

Labcorp Genetics (formerly Invitae), Labcorp
Classification: Uncertain significance for Landau-Kleffner syndrome. Last evaluated: 2023-11-04. Review status: criteria provided, single submitter. Criteria: Invitae Variant Classification Sherloc (09022015). Collection method: clinical testing. Allele origin: germline.
Comment: This sequence change replaces proline, which is neutral and non-polar, with serine, which is neutral and polar, at codon 1458 of the GRIN2A protein (p.Pro1458Ser). This variant is not present in population databases (gnomAD no frequency). This variant has not been reported in the literature in individuals affected with GRIN2A-related conditions. Advanced modeling of protein sequence and biophysical properties (such as structural, functional, and spatial information, amino acid conservation, physicochemical variation, residue mobility, and thermodynamic stability) performed at Invitae indicates that this missense variant is not expected to disrupt GRIN2A protein function with a negative predictive value of 95%. In summary, the available evidence is currently insufficient to determine the role of this variant in disease. Therefore, it has been classified as a Variant of Uncertain Significance.

NM_001134407.3(GRIN2A):c.4372C>T (p.Pro1458Ser)

Gene: GRIN2A (glutamate ionotropic receptor NMDA type subunit 2A; minus strand). Cytogenetic location: 16p13.2.
Variant type: single nucleotide variant.
Coding change: c.4372C>T on transcript NM_001134407.3 (MANE Select); coding-DNA position 4372, C replaced by T.
Protein change: p.Pro1458Ser; replaces proline 1458 with serine.
Molecular consequence: missense variant. On other transcripts: 3 prime UTR variant (1).
Genome position (GRCh38, 1-based): chr16:9,763,172, G>A on the plus strand (C>T on the coding strand, the complement: GRIN2A is on the minus strand). VCF-style: chr16-9763172-G-A. GRCh37 (hg19) VCF-style: chr16-9857029-G-A.
Other names: c.4372C>T, p.Pro1458Ser (NM_000833.5); c.*183C>T (NM_001134408.2); c.4372C>T (NM_000833.3); short protein forms P1458S.
Identifiers: ClinVar variation 2838039 (VCV002838039.5), dbSNP rs2141124550, ClinGen allele CA394705050.